The following is an entry in ClinVar:

ClinVar aggregate classification (germline): Uncertain significance (1 of 4 stars; one submission).

Submission:

GeneDx
Classification: Uncertain significance. Last evaluated: 2022-07-15. Review status: criteria provided, single submitter. Criteria: GeneDx Variant Classification Process June 2021. Collection method: clinical testing. Allele origin: germline. Affected: yes.
Comment: Not observed at significant frequency in large population cohorts (gnomAD); In silico analysis supports that this missense variant has a deleterious effect on protein structure/function; Has not been previously published as pathogenic or benign to our knowledge

NM_001256071.3(RNF213):c.9934C>G (p.His3312Asp)

Gene: RNF213 (ring finger protein 213; plus strand). Cytogenetic location: 17q25.3.
Variant type: single nucleotide variant.
Coding change: c.9934C>G on transcript NM_001256071.3 (MANE Select); coding-DNA position 9934, C replaced by G.
Protein change: p.His3312Asp; replaces histidine 3312 with aspartic acid.
Molecular consequence: missense variant.
Genome position (GRCh38, 1-based): chr17:80,348,269, C>G. VCF-style: chr17-80348269-C-G. GRCh37 (hg19) VCF-style: chr17-78322069-C-G.
Other names: c.10081C>G, p.His3361Asp (NM_001410195.1, NM_020914.5); short protein forms H3312D, H3361D.
Identifiers: ClinVar variation 1878901 (VCV001878901.1), dbSNP rs2511392567, ClinGen allele CA401403156.